The following is an entry in ClinVar:

NM_000552.5(VWF):c.5146G>A (p.Ala1716Thr)

Gene: VWF (von Willebrand factor; minus strand). Cytogenetic location: 12p13.31.
Variant type: single nucleotide variant.
Coding change: c.5146G>A on transcript NM_000552.5 (MANE Select); coding-DNA position 5146, G replaced by A.
Protein change: p.Ala1716Thr; replaces alanine 1716 with threonine.
Molecular consequence: missense variant.
Genome position (GRCh38, 1-based): chr12:6,016,778, C>T on the plus strand (G>A on the coding strand, the complement: VWF is on the minus strand). VCF-style: chr12-6016778-C-T. GRCh37 (hg19) VCF-style: chr12-6125944-C-T.
Other names: short protein forms A1716T.
Identifiers: ClinVar variation 1065259 (VCV001065259.3), dbSNP rs1194776238, ClinGen allele CA383496397.

ClinVar aggregate classification (germline): Uncertain significance (0 of 4 stars; one submission).

Conditions:
von Willebrand disease type 3 (VWD3). Also called: Type 3 Von Willebrand's disease; Type 3 VWD; Von Willebrand disease, severe form; V WD3; VON WILLEBRAND DISEASE, TYPE III. Identifiers: Orphanet 166096, MedGen C1264041, MONDO:0010191, OMIM 277480.

Submission:

Angelo Bianchi Bonomi Hemophilia and Thrombosis Center, Fondazione IRCCS Ca Granda Ospedale Maggiore Policlinico
Classification: Uncertain significance for von Willebrand disease type 3. Last evaluated: 2020-11-01. Review status: no assertion criteria provided. Collection method: clinical testing. Allele origin: germline. Affected: yes. Study: Type 3 Von Willebrand International Registries Inhibitor Prospective Study (3WINTERS-IPS).
Comment: ClinGen Pathogenicity Calculator